The following is an entry in ClinVar:

ClinVar aggregate classification (germline): Uncertain significance (1 of 4 stars; one submission).

Conditions:
Primary ciliary dyskinesia. Also called: Ciliary dyskinesia. Identifiers: Orphanet 244, MedGen C0008780, MONDO:0016575, HP:0012265.

Submission:

Labcorp Genetics (formerly Invitae), Labcorp
Classification: Uncertain significance for Primary ciliary dyskinesia. Last evaluated: 2019-08-21. Review status: criteria provided, single submitter. Criteria: Invitae Variant Classification Sherloc (09022015). Collection method: clinical testing. Allele origin: germline.
Comment: This variant results in a copy number gain of the genomic region encompassing exons 1-50 of the DNAH5 gene. The duplicated copy of this region has been determined to be in tandem (c.-239740_8448+1dup). This variant has not been reported in the literature in individuals with DNAH5-related conditions. In summary, the available evidence is currently insufficient to determine the role of this variant in disease. Therefore, it has been classified as a Variant of Uncertain Significance.

NC_000005.10:g.(?_13791974)_(13944458_?)dup

Gene: DNAH5 (dynein axonemal heavy chain 5; minus strand). Cytogenetic location: 5p15.2.
Variant type: Duplication.
Identifiers: ClinVar variation 833448 (VCV000833448.1).